The following is an entry in ClinVar:

NM_001375567.1(FOCAD):c.2625+11G>A

Gene: FOCAD (focadhesin; plus strand). Cytogenetic location: 9p21.3.
Variant type: single nucleotide variant.
Coding change: c.2625+11G>A on transcript NM_001375567.1 (MANE Select); 11 bases into the intron after coding-DNA position 2625, G replaced by A.
Molecular consequence: intron variant.
Genome position (GRCh38, 1-based): chr9:20,885,241, G>A. VCF-style: chr9-20885241-G-A. GRCh37 (hg19) VCF-style: chr9-20885240-G-A.
Other names: c.2625+11G>A (NM_017794.5); c.2520+11G>A (NM_001375568.1, NM_001375570.1).
Identifiers: ClinVar variation 402872 (VCV000402872.10), dbSNP rs2383156, ClinGen allele CA5007182.

ClinVar aggregate classification (germline): Benign. Review status: criteria provided, multiple submitters, no conflicts (2 of 4 stars). 4 submissions from 4 submitters: Benign (4). Last evaluated 2026-02-04.

Allele frequency attached by ClinVar (database versions not stated): ESP Exome Variant Server 0.57028; TOPMed 0.59173; 1000 Genomes Project 0.60383; 1000 Genomes Project 30x 0.60946.
gnomAD v4.1: 852,872 of 1,467,584 alleles (58%); highest among the groups gnomAD compares: Admixed American, 71%; 248,967 homozygotes.

Submissions (4):

Labcorp Genetics (formerly Invitae), Labcorp
Classification: Benign. Last evaluated: 2026-02-04. Review status: criteria provided, single submitter. Criteria: Invitae Variant Classification Sherloc (09022015). Collection method: clinical testing. Allele origin: germline.

GeneDx
Classification: Benign. Last evaluated: 2019-06-14. Review status: criteria provided, single submitter. Criteria: GeneDx Variant Classification Process June 2021. Collection method: clinical testing. Allele origin: germline. Affected: yes.

Laboratory for Molecular Medicine, Mass General Brigham Personalized Medicine
Classification: Benign. Last evaluated: 2016-03-29. Review status: criteria provided, single submitter. Criteria: LMM Criteria. Collection method: clinical testing. Allele origin: germline.
Comment: Variant identified in a genome or exome case(s) and assessed due to predicted null impact of the variant or pathogenic assertions in the literature or databases. Disclaimer: This variant has not undergone full assessment. The following are preliminary notes: Frequency

Breakthrough Genomics
Classification: Benign. Review status: criteria provided, single submitter. Criteria: ACMG Guidelines, 2015. Collection method: not provided. Allele origin: germline. Inheritance: Autosomal recessive inheritance. Affected: yes.